The following is an entry in ClinVar:

ClinVar aggregate classification (germline): Pathogenic/Likely pathogenic. Review status: criteria provided, multiple submitters, no conflicts (2 of 4 stars). 2 submissions from 2 submitters: Pathogenic (1); Likely pathogenic (1). Last evaluated 2026-06-09.

Conditions:
Lynch syndrome 5 (LYNCH5). Also called: Hereditary non-polyposis colorectal cancer, type 5; Colorectal cancer, hereditary nonpolyposis, type 5. Identifiers: Orphanet 144, MedGen C1833477, MONDO:0013710, OMIM 614350. Disease mechanism: loss of function.

Submissions (2):

Myriad Genetics, Inc.
Classification: Pathogenic for Lynch syndrome 5. Last evaluated: 2026-06-09. Review status: criteria provided, single submitter. Criteria: Myriad Autosomal Dominant, Autosomal Recessive and X-Linked Classification Criteria (2023). Collection method: clinical testing. Allele origin: unknown.
Comment: This variant is considered pathogenic. This variant creates a frameshift predicted to result in premature protein truncation.

Revvity Omics, Revvity
Classification: Likely pathogenic. Last evaluated: 2023-04-17. Review status: criteria provided, single submitter. Criteria: ACMG Guidelines, 2015. Collection method: clinical testing. Allele origin: germline.

NM_000179.3(MSH6):c.1628_1629dup (p.Glu544fs)

Gene: MSH6 (mutS homolog 6; plus strand). Cytogenetic location: 2p16.3.
Variant type: Duplication.
Coding change: c.1628_1629dup on transcript NM_000179.3 (MANE Select); coding-DNA positions 1628 to 1629, 2 bases duplicated (AA; older notation c.1628_1629dupAA).
Protein change: p.Glu544fs; shifts the reading frame from glutamic acid 544.
Molecular consequence: frameshift variant. On other transcripts: non-coding transcript variant (4), intron variant (2).
Genome position (GRCh38, 1-based): chr2:47,799,611-47,799,612, AA duplicated; duplicating any 2 consecutive bases within chr2:47,799,610-47,799,612 gives the same sequence; the c. name uses the placement nearest the transcript's 3' end. VCF-style (leftmost placement, unchanged base first): chr2-47799609-C-CAA. GRCh37 (hg19) VCF-style: chr2-48026748-C-CAA.
Other names: c.1238_1239dup, p.Glu414fs (NM_001281492.2); c.722_723dup, p.Glu242fs (NM_001281493.2, NM_001281494.2, NM_001406811.1 and 6 more transcripts); c.1724_1725dup, p.Glu576fs (NM_001406795.1, NM_001406802.1); c.1628_1629dup, p.Glu544fs (NM_001406796.1, NM_001406798.1, NM_001406800.1 and 3 more transcripts); c.1331_1332dup, p.Glu445fs (NM_001406797.1, NM_001406801.1, NM_001406805.1 and 10 more transcripts); c.1103_1104dup, p.Glu369fs (NM_001406799.1, NM_001406806.1, NM_001406807.1); c.1550_1551dup, p.Glu518fs (NM_001406804.1); c.1634_1635dup, p.Glu546fs (NM_001406813.1); and 3 more; short protein forms E242fs, E369fs, E414fs, E445fs, E488fs, E518fs, E544fs, E546fs.
Identifiers: ClinVar variation 2690646 (VCV002690646.3), dbSNP rs587779219, ClinGen allele CA2697548142.
Genomic context (GRCh38, chr2:47,799,609, plus strand): 5'-GACTTACAGTGTGCTGGAAGGTGATCCCTCTGAGAACTACAGTAAGTATCTTCTTAGCCT[C>CAA]AAAGAAAAAGAGGAAGATTCTTCTGGCCATACTCGTGCATATGGTGTGTGCTTTGTTGAT-3'